The following is an entry in ClinVar:

ClinVar aggregate classification (germline): Likely benign. Review status: criteria provided, multiple submitters, no conflicts (2 of 4 stars). 2 submissions from 2 submitters: Likely benign (2). Last evaluated 2024-02-12.

Conditions:
Congenital myasthenic syndrome 8. Also called: MYASTHENIC SYNDROME, CONGENITAL, DUE TO AGRIN DEFICIENCY; Myasthenic syndrome, congenital, 8, with pre- and postsynaptic defects. Identifiers: Orphanet 590, MedGen C3808739, MONDO:0014052, OMIM 615120.

Allele frequency attached by ClinVar (database versions not stated): gnomAD 0.00001; gnomAD exomes 0.00001; TOPMed 0.00003; ExAC 0.00004.
gnomAD v4.1: 46 of 1,569,206 alleles (0.0029%); highest among the groups gnomAD compares: Non-Finnish European, 0.0039%; no homozygotes.

Submissions (2):

Labcorp Genetics (formerly Invitae), Labcorp
Classification: Likely benign for Congenital myasthenic syndrome 8. Last evaluated: 2024-02-12. Review status: criteria provided, single submitter. Criteria: Invitae Variant Classification Sherloc (09022015). Collection method: clinical testing. Allele origin: germline.

GeneDx
Classification: Likely benign. Last evaluated: 2018-02-22. Review status: criteria provided, single submitter. Criteria: GeneDx Variant Classification (06012015). Collection method: clinical testing. Allele origin: germline. Affected: yes.
Comment: This variant is considered likely benign or benign based on one or more of the following criteria: it is a conservative change, it occurs at a poorly conserved position in the protein, it is predicted to be benign by multiple in silico algorithms, and/or has population frequency not consistent with disease.

NM_198576.4(AGRN):c.5413C>T (p.Leu1805=)

Gene: AGRN (agrin; plus strand). Cytogenetic location: 1p36.33.
Variant type: single nucleotide variant.
Coding change: c.5413C>T on transcript NM_198576.4 (MANE Select); coding-DNA position 5413, C replaced by T.
Protein change: p.Leu1805=; no amino-acid change (leucine 1805 retained).
Molecular consequence: synonymous variant.
Genome position (GRCh38, 1-based): chr1:1,051,495, C>T. VCF-style: chr1-1051495-C-T. GRCh37 (hg19) VCF-style: chr1-986875-C-T.
Other names: c.5425C>T, p.Leu1809= (NM_001305275.2); c.5110C>T, p.Leu1704= (NM_001364727.2).
Identifiers: ClinVar variation 515576 (VCV000515576.10), dbSNP rs751461791, ClinGen allele CA510024.